The following is an entry in ClinVar:

NM_020812.4(DOCK6):c.5600C>G (p.Pro1867Arg)

Gene: DOCK6 (dedicator of cytokinesis 6; minus strand). Cytogenetic location: 19p13.2.
Variant type: single nucleotide variant.
Coding change: c.5600C>G on transcript NM_020812.4 (MANE Select); coding-DNA position 5600, C replaced by G.
Protein change: p.Pro1867Arg; replaces proline 1867 with arginine.
Molecular consequence: missense variant.
Genome position (GRCh38, 1-based): chr19:11,201,977, G>C on the plus strand (C>G on the coding strand, the complement: DOCK6 is on the minus strand). VCF-style: chr19-11201977-G-C. GRCh37 (hg19) VCF-style: chr19-11312653-G-C.
Other names: c.5705C>G, p.Pro1902Arg (NM_001367830.1); short protein forms P1902R, P1867R.
Identifiers: ClinVar variation 1372988 (VCV001372988.8), dbSNP rs1349720998, ClinGen allele CA404073877.
Genomic context (GRCh38, chr19:11,201,977, plus strand): 5'-GTCTTGATGTAGGGGAAGGCGTGGTCGGTGCTGAGCAGCGTCTTACGCTTGTGTTGCTCG[G>C]GCAGCTCCCCGTGTGCGCGCCCATCCGGCGTGAACGGCGTGCAGAACAGGAATGTGCGAA-3'
Protein context (NP_065863.2, residues 1857-1877): TPDGRAHGEL[Pro1867Arg]EQHKRKTLLS

ClinVar aggregate classification (germline): Uncertain significance (1 of 4 stars; one submission).

Allele frequency attached by ClinVar (database versions not stated): gnomAD 0.00001.
gnomAD v4.1: 3 of 1,613,782 alleles (0.00019%); highest among the groups gnomAD compares: African/African-American, 0.0013%; no homozygotes.

Submission:

Labcorp Genetics (formerly Invitae), Labcorp
Classification: Uncertain significance. Last evaluated: 2024-02-24. Review status: criteria provided, single submitter. Criteria: Invitae Variant Classification Sherloc (09022015). Collection method: clinical testing. Allele origin: germline.
Comment: This sequence change replaces proline, which is neutral and non-polar, with arginine, which is basic and polar, at codon 1867 of the DOCK6 protein (p.Pro1867Arg). The frequency data for this variant in the population databases is considered unreliable, as metrics indicate poor data quality at this position in the gnomAD database. This variant has not been reported in the literature in individuals affected with DOCK6-related conditions. ClinVar contains an entry for this variant (Variation ID: 1372988). Advanced modeling of protein sequence and biophysical properties (such as structural, functional, and spatial information, amino acid conservation, physicochemical variation, residue mobility, and thermodynamic stability) performed at Invitae indicates that this missense variant is not expected to disrupt DOCK6 protein function with a negative predictive value of 80%. In summary, the available evidence is currently insufficient to determine the role of this variant in disease. Therefore, it has been classified as a Variant of Uncertain Significance.